The following is an entry in ClinVar:

ClinVar aggregate classification (germline): Benign. Review status: criteria provided, multiple submitters, no conflicts (2 of 4 stars). 15 submissions from 12 submitters: Benign (11). 4 of the submissions do not count toward it. Last evaluated 2026-06-02.

Conditions:
Corticosterone 18-monooxygenase deficiency. Also called: ALDOSTERONE DEFICIENCY DUE TO DEFECT IN STEROID 18-HYDROXYLASE; ALDOSTERONE DEFICIENCY I; CMO I DEFICIENCY; STEROID 18-HYDROXYLASE DEFICIENCY; 18 Hydroxylase deficiency; Aldosterone deficiency due to defect in 18 hydroxylase. Identifiers: Orphanet 427, MedGen C0268293, MONDO:0008751, OMIM 203400. Disease mechanism: loss of function.
Corticosterone methyl oxidase type II deficiency.
Corticosterone methyloxidase type 2 deficiency. Also called: 18-OXIDASE DEFICIENCY; ALDOSTERONE DEFICIENCY DUE TO DEFICIENCY OF STEROID 18-OXIDASE; ALDOSTERONE DEFICIENCY II; CMO II DEFICIENCY; STEROID 18-OXIDASE DEFICIENCY. Identifiers: Orphanet 427, MedGen C3463917, MONDO:0012524, OMIM 610600. Disease mechanism: loss of function.
Glucocorticoid-remediable aldosteronism. Also called: Hyperaldosteronism, familial, type I; ACTH-DEPENDENT HYPERALDOSTERONISM SYNDROME; ALDOSTERONISM, SENSITIVE TO DEXAMETHASONE; FH I; GLUCOCORTICOID-SUPPRESSIBLE HYPERALDOSTERONISM. Identifiers: Orphanet 403, MedGen C3838731, MONDO:0007080, OMIM 103900.

Allele frequency attached by ClinVar (database versions not stated): ESP Exome Variant Server 0.53415; gnomAD 0.54644 and 0.55387; TOPMed 0.55329; gnomAD exomes 0.57001; 1000 Genomes Project 30x 0.60462; 1000 Genomes Project 0.60763.
gnomAD v4.1: 916,335 of 1,610,144 alleles (57%); highest among the groups gnomAD compares: East Asian, 81%; 263,098 homozygotes.

Submissions (15):

Women's Health and Genetics/Laboratory Corporation of America, LabCorp
Classification: Benign. Last evaluated: 2026-06-02. Review status: criteria provided, single submitter. Criteria: LabCorp Variant Classification Summary - May 2015. Collection method: clinical testing. Allele origin: germline.

Labcorp Genetics (formerly Invitae), Labcorp
Classification: Benign. Last evaluated: 2026-02-04. Review status: criteria provided, single submitter. Criteria: Invitae Variant Classification Sherloc (09022015). Collection method: clinical testing. Allele origin: germline.

Blueprint Genetics
Classification: Benign. Last evaluated: 2024-11-27. Review status: criteria provided, single submitter. Criteria: ACMG Guidelines, 2015. Collection method: clinical testing. Allele origin: germline.

Mayo Clinic Laboratories, Mayo Clinic
Classification: Benign. Last evaluated: 2022-03-09. Review status: criteria provided, single submitter. Criteria: ACMG Guidelines, 2015. Collection method: clinical testing. Allele origin: germline. Observed: 136 variant alleles.

Genome-Nilou Lab
Classification: Benign for Corticosterone 18-monooxygenase deficiency. Last evaluated: 2021-07-01. Review status: criteria provided, single submitter. Criteria: ACMG Guidelines, 2015. Collection method: clinical testing. Allele origin: germline. Affected: no.

Genome-Nilou Lab
Classification: Benign for Corticosterone methyloxidase type 2 deficiency. Last evaluated: 2021-07-01. Review status: criteria provided, single submitter. Criteria: ACMG Guidelines, 2015. Collection method: clinical testing. Allele origin: germline. Affected: no.

Illumina Laboratory Services, Illumina
Classification: Benign for Corticosterone methyloxidase type 2 deficiency. Last evaluated: 2018-03-06. Review status: criteria provided, single submitter. Criteria: ICSL Variant Classification Criteria 13 December 2019. Collection method: clinical testing. Allele origin: germline.
Comment: This variant was observed in the ICSL laboratory as part of a predisposition screen in an ostensibly healthy population. It had not been previously curated by ICSL or reported in the Human Gene Mutation Database (HGMD: prior to June 1st, 2018), and was therefore a candidate for classification through an automated scoring system. Utilizing variant allele frequency, disease prevalence and penetrance estimates, and inheritance mode, an automated score was calculated to assess if this variant is too frequent to cause the disease. Based on the score and internal cut-off values, a variant classified as benign is not then subjected to further curation. The score for this variant resulted in a classification of benign for this disease.

Illumina Laboratory Services, Illumina
Classification: Benign for Corticosterone 18-monooxygenase deficiency. Last evaluated: 2018-03-06. Review status: criteria provided, single submitter. Criteria: ICSL Variant Classification Criteria 13 December 2019. Collection method: clinical testing. Allele origin: germline.
Comment: the same text as in the submission from Illumina Laboratory Services, Illumina above.

Illumina Laboratory Services, Illumina
Classification: Benign for Hyperaldosteronism, familial, type I. Last evaluated: 2018-03-06. Review status: criteria provided, single submitter. Criteria: ICSL Variant Classification Criteria 13 December 2019. Collection method: clinical testing. Allele origin: germline.
Comment: the same text as in the submission from Illumina Laboratory Services, Illumina above.

Laboratory for Molecular Medicine, Mass General Brigham Personalized Medicine
Classification: Benign. Last evaluated: 2016-03-21. Review status: criteria provided, single submitter. Criteria: LMM Criteria. Collection method: clinical testing. Allele origin: germline. Observed: 1 variant allele.
Comment: p.Arg374Arg in exon 6 of CYP11B2: This variant is not expected to have clinical significance because it has been identified in 80.16% (6876/8578) of East Asian chromosomes by the Exome Aggregation Consortium (ExAC; dbSNP rs4538).

Breakthrough Genomics
Classification: Benign. Review status: criteria provided, single submitter. Criteria: ACMG Guidelines, 2015. Collection method: not provided. Allele origin: germline. Inheritance: Autosomal recessive inheritance. Affected: yes.

Natera, Inc.
Classification: Benign for Corticosterone methyl oxidase type II deficiency. Last evaluated: 2020-09-16. Review status: no assertion criteria provided. Collection method: clinical testing. Allele origin: germline. Not counted in ClinVar's aggregate classification.

Diagnostic Laboratory, Department of Genetics, University Medical Center Groningen
Classification: Benign. Review status: no assertion criteria provided. Collection method: clinical testing. Allele origin: germline. Affected: yes. Study: VKGL Data-share Consensus. Not counted in ClinVar's aggregate classification.

Genome Diagnostics Laboratory, University Medical Center Utrecht
Classification: Benign. Review status: no assertion criteria provided. Collection method: clinical testing. Allele origin: germline. Affected: yes. Study: VKGL Data-share Consensus. Not counted in ClinVar's aggregate classification.

Joint Genome Diagnostic Labs from Nijmegen and Maastricht, Radboudumc and MUMC+
Classification: Benign. Review status: no assertion criteria provided. Collection method: clinical testing. Allele origin: germline. Affected: yes. Study: VKGL Data-share Consensus. Not counted in ClinVar's aggregate classification.

NM_000498.3(CYP11B2):c.1120C>A (p.Arg374=)

Genes: CYP11B2 (cytochrome P450 family 11 subfamily B member 2; minus strand), LOC106799834 (CYP11B2 recombination region; plus strand). Cytogenetic location: 8q24.3.
Variant type: single nucleotide variant.
Coding change: c.1120C>A on transcript NM_000498.3 (MANE Select); coding-DNA position 1120, C replaced by A.
Protein change: p.Arg374=; no amino-acid change (arginine 374 retained).
Molecular consequence: synonymous variant.
Genome position (GRCh38, 1-based): chr8:142,913,286, G>T on the plus strand (C>A on the coding strand, the complement: CYP11B2 is on the minus strand). VCF-style: chr8-142913286-G-T. GRCh37 (hg19) VCF-style: chr8-143994702-G-T.
Other names: p.Arg374=.
Identifiers: ClinVar variation 362195 (VCV000362195.30), dbSNP rs4538, ClinGen allele CA4905933.